The following is an entry in ClinVar:

NM_002500.5(NEUROD1):c.1063C>T (p.His355Tyr)

Gene: NEUROD1 (neuronal differentiation 1; minus strand). Cytogenetic location: 2q31.3.
Variant type: single nucleotide variant.
Coding change: c.1063C>T on transcript NM_002500.5 (MANE Select); coding-DNA position 1063, C replaced by T.
Protein change: p.His355Tyr; replaces histidine 355 with tyrosine.
Molecular consequence: missense variant.
Genome position (GRCh38, 1-based): chr2:181,677,798, G>A on the plus strand (C>T on the coding strand, the complement: NEUROD1 is on the minus strand). VCF-style: chr2-181677798-G-A. GRCh37 (hg19) VCF-style: chr2-182542525-G-A.
Other names: short protein forms H355Y.
Identifiers: ClinVar variation 1345669 (VCV001345669.6), dbSNP rs2105593860, ClinGen allele CA349781646.

ClinVar aggregate classification (germline): Uncertain significance (1 of 4 stars; one submission).

Submission:

Labcorp Genetics (formerly Invitae), Labcorp
Classification: Uncertain significance. Last evaluated: 2021-10-19. Review status: criteria provided, single submitter. Criteria: Invitae Variant Classification Sherloc (09022015). Collection method: clinical testing. Allele origin: germline.
Comment: In summary, the available evidence is currently insufficient to determine the role of this variant in disease. Therefore, it has been classified as a Variant of Uncertain Significance. Algorithms developed to predict the effect of missense changes on protein structure and function are either unavailable or do not agree on the potential impact of this missense change (SIFT: "Deleterious"; PolyPhen-2: "Probably Damaging"; Align-GVGD: "Class C0"). This variant has not been reported in the literature in individuals affected with NEUROD1-related conditions. This variant is not present in population databases (gnomAD no frequency). This sequence change replaces histidine, which is basic and polar, with tyrosine, which is neutral and polar, at codon 355 of the NEUROD1 protein (p.His355Tyr).